The following is an entry in ClinVar:

NC_000010.11:g.88583641A>G

Genes: LIPJ (lipase family member J; plus strand), RNLS (renalase, FAD dependent amine oxidase; minus strand). Cytogenetic location: 10q23.31.
Variant type: single nucleotide variant.
Molecular consequence: non-coding transcript variant (on NR_172141.1).
Genome position: GRCh38 VCF-style: chr10-88583641-A-G. GRCh37 (hg19) VCF-style: chr10-90343398-A-G.
Identifiers: ClinVar variation 1239848 (VCV001239848.4), dbSNP rs2576178, ClinGen allele CA13324317.

ClinVar aggregate classification (germline): Benign. Review status: criteria provided, multiple submitters, no conflicts (2 of 4 stars). 2 submissions from 2 submitters: Benign (2). Last evaluated 2018-08-03.

Allele frequency attached by ClinVar (database versions not stated): gnomAD exomes 0.27314; gnomAD 0.28485 and 0.29043; TOPMed 0.29673; 1000 Genomes Project 30x 0.34400; 1000 Genomes Project 0.34425.
gnomAD v4.1: 272,798 of 988,076 alleles (28%); highest among the groups gnomAD compares: East Asian, 54%; 38,276 homozygotes.

Submissions (2):

GeneDx
Classification: Benign. Last evaluated: 2018-08-03. Review status: criteria provided, single submitter. Criteria: GeneDx Variant Classification Process June 2021. Collection method: clinical testing. Allele origin: germline. Affected: yes.
Comment: This variant is associated with the following publications: (PMID: 17216203)

Breakthrough Genomics
Classification: Benign. Review status: criteria provided, single submitter. Criteria: ACMG Guidelines, 2015. Collection method: not provided. Allele origin: germline. Inheritance: Unknown mechanism. Affected: yes.